The following is an entry in ClinVar:

ClinVar aggregate classification (germline): Uncertain significance (1 of 4 stars; one submission).

Submission:

GeneDx
Classification: Uncertain significance. Last evaluated: 2025-01-28. Review status: criteria provided, single submitter. Criteria: GeneDx Variant Classification Process June 2021. Collection method: clinical testing. Allele origin: germline. Affected: yes.
Comment: Not observed at significant frequency in large population cohorts (gnomAD); In silico analysis supports a deleterious effect on splicing; Has not been previously published as pathogenic or benign to our knowledge; Reported using an alternate transcript of the gene

NM_001018005.2(TPM1):c.240+4464T>G

Genes: TPM1 (tropomyosin 1; plus strand), TPM1-AS (TPM1 antisense RNA; minus strand), LOC130057222 (ATAC-STARR-seq lymphoblastoid silent region 6507; plus strand). Cytogenetic location: 15q22.2.
Variant type: single nucleotide variant.
Coding change: c.240+4464T>G on transcript NM_001018005.2 (MANE Select); 4464 bases into the intron after coding-DNA position 240, T replaced by G.
Molecular consequence: intron variant. On other transcripts: non-coding transcript variant (5), missense variant (12).
Genome position (GRCh38, 1-based): chr15:63,048,616, T>G. VCF-style: chr15-63048616-T-G. GRCh37 (hg19) VCF-style: chr15-63340815-T-G.
Other names: c.41T>G, p.Ile14Ser (NM_001018008.2, NM_001301289.2, NM_001330344.2 and 9 more transcripts); c.366+4464T>G (NM_001365778.1, NM_001407323.1, NM_001407322.1 and 1 more transcripts); c.240+4785T>G (NM_001407336.1, NM_001018020.2, NM_001407338.1 and 7 more transcripts); c.240+4464T>G (NM_001407326.1, NM_001407337.1, NM_001018006.2 and 10 more transcripts); short protein forms I14S.
Identifiers: ClinVar variation 4072437 (VCV004072437.1).